The following is an entry in ClinVar:

ClinVar aggregate classification (germline): Pathogenic (1 of 4 stars; one submission).

Conditions:
Hereditary cancer-predisposing syndrome. Also called: Tumor predisposition; Neoplastic Syndromes, Hereditary; Hereditary neoplastic syndrome; Hereditary Cancer Syndrome. Identifiers: Orphanet 140162, MedGen C0027672, MeSH D009386, MONDO:0015356.

gnomAD v4.1: 1 of 1,613,204 alleles (0.000062%); highest among the groups gnomAD compares: South Asian, 0.0011%; no homozygotes.

Submission:

Ambry Genetics
Classification: Pathogenic for Hereditary cancer-predisposing syndrome. Last evaluated: 2024-12-04. Review status: criteria provided, single submitter. Criteria: Ambry Variant Classification Scheme 2023. Collection method: clinical testing. Allele origin: germline.
Comment: The p.Y1392* pathogenic mutation (also known as c.4176T>A), located in coding exon 27 of the ATM gene, results from a T to A substitution at nucleotide position 4176. This changes the amino acid from a tyrosine to a stop codon within coding exon 27. This variant is considered to be rare based on population cohorts in the Genome Aggregation Database (gnomAD). This alteration is expected to result in loss of function by premature protein truncation or nonsense-mediated mRNA decay. As such, this alteration is interpreted as a disease-causing mutation.

NM_000051.4(ATM):c.4176T>A (p.Tyr1392Ter)

Gene: ATM (ATM serine/threonine kinase; plus strand). Cytogenetic location: 11q22.3.
Variant type: single nucleotide variant.
Coding change: c.4176T>A on transcript NM_000051.4 (MANE Select); coding-DNA position 4176, T replaced by A.
Protein change: p.Tyr1392Ter; replaces tyrosine 1392 with a stop codon.
Molecular consequence: nonsense.
Genome position (GRCh38, 1-based): chr11:108,289,043, T>A. VCF-style: chr11-108289043-T-A. GRCh37 (hg19) VCF-style: chr11-108159770-T-A.
Other names: c.4176T>A, p.Tyr1392Ter (NM_001351834.2); short protein forms Y1392*.
Identifiers: ClinVar variation 3452667 (VCV003452667.1).